The following is an entry in ClinVar:

NM_001009944.3(PKD1):c.8964G>A (p.Ala2988=)

Gene: PKD1 (polycystin 1, transient receptor potential channel interacting; minus strand). Cytogenetic location: 16p13.3.
Variant type: single nucleotide variant.
Coding change: c.8964G>A on transcript NM_001009944.3 (MANE Select); coding-DNA position 8964, G replaced by A.
Protein change: p.Ala2988=; no amino-acid change (alanine 2988 retained).
Molecular consequence: synonymous variant.
Genome position (GRCh38, 1-based): chr16:2,102,618, C>T on the plus strand (G>A on the coding strand, the complement: PKD1 is on the minus strand). VCF-style: chr16-2102618-C-T. GRCh37 (hg19) VCF-style: chr16-2152619-C-T.
Other names: p.Ala2988=; c.8964G>A, p.Ala2988= (NM_000296.4).
Identifiers: ClinVar variation 257036 (VCV000257036.52), dbSNP rs76184385, ClinGen allele CA7830236.

ClinVar aggregate classification (germline): Benign. Review status: criteria provided, multiple submitters, no conflicts (2 of 4 stars). 12 submissions from 12 submitters: Benign (9). 3 of the submissions do not count toward it. Last evaluated 2026-10-01.

Conditions:
Polycystic kidney disease, adult type (PKD1). Also called: POLYCYSTIC KIDNEY DISEASE, ADULT, TYPE I; Polycystic Kidney, Autosomal Dominant; Polycystic Kidney Disease 1, Autosomal Dominant; Polycystic kidney disease 1; Polycystic kidney disease 1, severe; POLYCYSTIC KIDNEY DISEASE 1 WITH OR WITHOUT POLYCYSTIC LIVER DISEASE. Identifiers: MedGen C3149841, MONDO:0008263, OMIM 173900.
Polycystic kidney disease. Also called: Kidney, Polycystic; Polycystic kidney dysplasia. Identifiers: MedGen C0022680, MeSH D007690, MONDO:0020642, HP:0000113.

Allele frequency attached by ClinVar (database versions not stated): ESP Exome Variant Server 0.00448; TOPMed 0.00515; 1000 Genomes Project 30x 0.00562; 1000 Genomes Project 0.00619; gnomAD 0.00619 and 0.00641; ExAC 0.00709; gnomAD exomes 0.00748 and 0.00790.
gnomAD v4.1: 12,507 of 1,611,016 alleles (0.78%); highest among the groups gnomAD compares: East Asian, 1.4%; 73 homozygotes.

Submissions (12):

CeGaT Center for Human Genetics Tuebingen
Classification: Benign. Last evaluated: 2026-10-01. Review status: criteria provided, single submitter. Criteria: CeGaT Center For Human Genetics Tuebingen Variant Classification Criteria Version 2. Collection method: clinical testing. Allele origin: germline. Affected: yes. Observed: 19 variant alleles.
Comment: PKD1: BP4, BP7, BS1, BS2

Women's Health and Genetics/Laboratory Corporation of America, LabCorp
Classification: Benign. Last evaluated: 2026-01-30. Review status: criteria provided, single submitter. Criteria: LabCorp Variant Classification Summary - May 2015. Collection method: clinical testing. Allele origin: germline.

Blueprint Genetics
Classification: Benign. Last evaluated: 2024-11-26. Review status: criteria provided, single submitter. Criteria: ACMG Guidelines, 2015. Collection method: clinical testing. Allele origin: germline.

Mayo Clinic Laboratories, Mayo Clinic
Classification: Benign. Last evaluated: 2022-10-28. Review status: criteria provided, single submitter. Criteria: ACMG Guidelines, 2015. Collection method: clinical testing. Allele origin: germline. Observed: 12 variant alleles.
Comment: BS1, BS2, BP4, BP7

GeneDx
Classification: Benign. Last evaluated: 2021-01-05. Review status: criteria provided, single submitter. Criteria: GeneDx Variant Classification Process June 2021. Collection method: clinical testing. Allele origin: germline. Affected: yes.
Comment: This variant is associated with the following publications: (PMID: 10854095, 11558899, 12007219, 22383692, 22608885, 24374109)

ARUP Laboratories, Molecular Genetics and Genomics, ARUP Laboratories
Classification: Benign for Polycystic kidney disease, adult type. Last evaluated: 2019-07-25. Review status: criteria provided, single submitter. Criteria: ARUP Molecular Germline Variant Investigation Process. Collection method: clinical testing. Allele origin: germline.

Athena Diagnostics
Classification: Benign. Last evaluated: 2018-08-20. Review status: criteria provided, single submitter. Criteria: Athena Diagnostics Criteria. Collection method: clinical testing. Allele origin: germline.

Breakthrough Genomics
Classification: Benign. Review status: criteria provided, single submitter. Criteria: ACMG Guidelines, 2015. Collection method: not provided. Allele origin: germline. Inheritance: Autosomal dominant inheritance. Affected: yes.

PreventionGenetics, part of Exact Sciences
Classification: Benign. Review status: criteria provided, single submitter. Criteria: ACMG Guidelines, 2015. Collection method: clinical testing. Allele origin: germline.

Clinical Genetics DNA and cytogenetics Diagnostics Lab, Erasmus MC, Erasmus Medical Center
Classification: Likely benign. Review status: no assertion criteria provided. Collection method: clinical testing. Allele origin: germline. Affected: yes. Study: VKGL Data-share Consensus. Not counted in ClinVar's aggregate classification.

Department of Pathology and Laboratory Medicine, Sinai Health System
Classification: Benign for Polycystic Kidney disease. Review status: no assertion criteria provided. Collection method: clinical testing. Allele origin: unknown. Affected: yes. Study: The Canadian Open Genetics Repository (COGR). Not counted in ClinVar's aggregate classification.
Comment: The PKD1 p.Ala2988Ala variant was identified in 9 of 1202 proband chromosomes (frequency: 0.007) from individuals or families with ADPKD (Perrichot 2000, Inoue 2002, Mizoguchi 2001, Rossetti 2012, Tan 2012, Tan 2014). The variant was also identified in dbSNP (ID: rs76184385) and ADPKD Mutation Database (as likely neutral). This variant was identified in the 1000 Genomes Project in 31 of 5000 chromosomes (frequency: 0.006), NHLBI GO Exome Sequencing Project in 54 of 8570 European American (freq. 0.006) and in 4 of 4374 of African American alleles (freq. 0.0009).The p.Ala2988Ala variant was also identified in Exome Aggregation Consortium database (March 14, 2016) in 837 (6 homozygous) of 118036 chromosomes (freq. 0.007) in the following populations: European in 412 of 64634 chromosomes (freq. 0.006), Finnish in 120 of 6556 chromosomes (freq. 0.02), Latino in 105 of 11458 chromosomes (freq. 0.009), East Asian in 100 of 8594 chromosomes (freq. 0.01), South Asian in 87 of 16494 chromosomes (freq. 0.005), African in 7 of 9428 chromosomes (freq. 0.0007) and Other in 6 of 872 chromosomes (freq. 0.007), increasing the likelihood this could be a low frequency benign variant. In addition we cannot be certain that data from control databases is specific to PKD1 and not from one of the six PKD1 pseudogenes. The p.Ala2988Ala variant is not expected to have clinical significance because it does not result in a change of amino acid and is not located in a known consensus splice site.The variant occurs outside of the splicing consensus sequence and 1 of 5 in silico or computational prediction software programs (SpliceSiteFinder, MaxEntScan, NNSPLICE, GeneSplicer, HumanSpliceFinder) predict a greater than 10% difference in splicing; this is not very predictive of pathogenicity. Two population studies by Perrichot (2000) and Mizoguchi (2001) classified the variant as polymorphism since the variant does not lead to the modification of the encoded amino acid. In addition, another population study by Rossetti (2012) classified the variant as known exonic polymorphic variant. In addition, the variant was identified with a co-occurring pathogenic PKD1 variant in our lab (p.Ala3571_Val3572del), increasing the likelihood that the p.Ala2988Ala variant does not have clinical significance. In summary, based on the above information, this variant meets our laboratory criteria to be classified as benign.

Laboratory of Diagnostic Genome Analysis, Leiden University Medical Center (LUMC)
Classification: Likely benign. Review status: no assertion criteria provided. Collection method: clinical testing. Allele origin: germline. Affected: yes. Study: VKGL Data-share Consensus. Not counted in ClinVar's aggregate classification.

Literature cited by the submitters: PubMed 10854095 (cited by Athena Diagnostics); PubMed 11558899 (cited by Athena Diagnostics); PubMed 22383692 (cited by Athena Diagnostics); PubMed 12007219 (cited by Athena Diagnostics); PubMed 24374109 (cited by Athena Diagnostics); PubMed 22608885 (cited by Athena Diagnostics).